The following is an entry in ClinVar:

ClinVar aggregate classification (germline): Uncertain significance (1 of 4 stars; one submission).

Conditions:
Combined oxidative phosphorylation defect type 14. Also called: Combined oxidative phosphorylation deficiency 14. Identifiers: Orphanet 319519, MedGen C4755312, MONDO:0013986, OMIM 614946.

gnomAD v4.1: 5 of 1,613,908 alleles (0.00031%); highest among the groups gnomAD compares: Non-Finnish European, 0.00042%; no homozygotes.

Submission:

Labcorp Genetics (formerly Invitae), Labcorp
Classification: Uncertain significance for Combined oxidative phosphorylation defect type 14. Last evaluated: 2025-09-27. Review status: criteria provided, single submitter. Criteria: Invitae Variant Classification Sherloc (09022015). Collection method: clinical testing. Allele origin: germline.
Comment: This sequence change replaces cysteine, which is neutral and slightly polar, with tyrosine, which is neutral and polar, at codon 344 of the FARS2 protein (p.Cys344Tyr). This variant is present in population databases (rs758960844, gnomAD 0.007%). This variant has not been reported in the literature in individuals affected with FARS2-related conditions. Invitae Evidence Modeling of protein sequence and biophysical properties (such as structural, functional, and spatial information, amino acid conservation, physicochemical variation, residue mobility, and thermodynamic stability) indicates that this missense variant is not expected to disrupt FARS2 protein function with a negative predictive value of 95%. In summary, the available evidence is currently insufficient to determine the role of this variant in disease. Therefore, it has been classified as a Variant of Uncertain Significance.

NM_006567.5(FARS2):c.1031G>A (p.Cys344Tyr)

Gene: FARS2 (phenylalanyl-tRNA synthetase 2, mitochondrial; plus strand). Cytogenetic location: 6p25.1.
Variant type: single nucleotide variant.
Coding change: c.1031G>A on transcript NM_006567.5 (MANE Select); coding-DNA position 1031, G replaced by A.
Protein change: p.Cys344Tyr; replaces cysteine 344 with tyrosine.
Molecular consequence: missense variant.
Genome position (GRCh38, 1-based): chr6:5,545,306, G>A. VCF-style: chr6-5545306-G-A. GRCh37 (hg19) VCF-style: chr6-5545539-G-A.
Other names: c.1031G>A, p.Cys344Tyr (NM_001318872.2, NM_001374875.1, NM_001374876.1 and 4 more transcripts); c.899G>A, p.Cys300Tyr (NM_001375258.1); c.335G>A, p.Cys112Tyr (NM_001375259.1, NM_001375260.1); short protein forms C112Y, C344Y, C300Y.
Identifiers: ClinVar variation 4776125 (VCV004776125.1).
Genomic context (GRCh38, chr6:5,545,306, plus strand): 5'-ACGACATCCCTGATATCCGTCTCTTCTGGTGTGAGGACGAGCGCTTCCTGAAGCAGTTCT[G>A]TGTATCCAACATTAATCAGAAGGTGAAGTTTCAGGTAAGATGACTTGCAAGAACTGAATA-3'
Protein context (NP_006558.1, residues 334-354): CEDERFLKQF[Cys344Tyr]VSNINQKVKF